The following is an entry in ClinVar:

NM_004991.4(MECOM):c.3634A>G (p.Thr1212Ala)

Gene: MECOM (MDS1 and EVI1 complex locus; minus strand). Cytogenetic location: 3q26.2.
Variant type: single nucleotide variant.
Coding change: c.3634A>G on transcript NM_004991.4 (MANE Select); coding-DNA position 3634, A replaced by G.
Protein change: p.Thr1212Ala; replaces threonine 1212 with alanine.
Molecular consequence: missense variant.
Genome position (GRCh38, 1-based): chr3:169,084,995, T>C on the plus strand (A>G on the coding strand, the complement: MECOM is on the minus strand). VCF-style: chr3-169084995-T-C. GRCh37 (hg19) VCF-style: chr3-168802783-T-C.
Other names: c.3265A>G, p.Thr1089Ala (NM_001105077.4); c.3070A>G, p.Thr1024Ala (NM_001105078.4, NM_001205194.2, NM_001366469.2 and 1 more transcripts); c.3046A>G, p.Thr1016Ala (NM_001163999.2, NM_001366470.2); c.3043A>G, p.Thr1015Ala (NM_001164000.2, NM_001366471.2, NM_001366472.2); c.3607A>G, p.Thr1203Ala (NM_001366466.2); c.3073A>G, p.Thr1025Ala (NM_001366467.2, NM_001366468.2); c.2635A>G, p.Thr879Ala (NM_001366473.2); c.2071A>G, p.Thr691Ala (NM_001366474.2); short protein forms T1015A, T1016A, T1024A, T1025A, T1089A, T1203A, T1212A, T691A.
Identifiers: ClinVar variation 4859714 (VCV004859714.1).
Genomic context (GRCh38, chr3:169,084,995, plus strand): 5'-CACTGGATTCCGCCGCAGCCCTGGCCATACTGTGCCACACGTTGGAAGAACTGTGGGATG[T>C]AGAATGGAGGGACTCCTTGTCAGACAGTGACAGCATCATAGCATATGCCTGGGGTAAAAA-3'
Protein context (NP_004982.2, residues 1202-1222): SLSDKESLHS[Thr1212Ala]SHSSSNVWHS

ClinVar aggregate classification (germline): Uncertain significance (1 of 4 stars; one submission).

Conditions:
Inborn genetic diseases. Identifiers: MedGen C0950123, MeSH D030342.

Submission:

Ambry Genetics
Classification: Uncertain significance for Inborn genetic diseases. Last evaluated: 2026-03-30. Review status: criteria provided, single submitter. Criteria: Ambry Variant Classification Scheme 2023. Collection method: clinical testing. Allele origin: germline.
Comment: The p.T1212A variant (also known as c.3634A>G), located in coding exon 17 of the MECOM gene, results from an A to G substitution at nucleotide position 3634. The threonine at codon 1212 is replaced by alanine, an amino acid with similar properties. This amino acid position is conserved. In addition, this alteration is predicted to be tolerated by in silico analysis. Based on the available evidence, the clinical significance of this variant remains unclear.